The following is an entry in ClinVar:

ClinVar aggregate classification (germline): Benign/Likely benign. Review status: criteria provided, multiple submitters, no conflicts (2 of 4 stars). 3 submissions from 3 submitters: Benign (1); Likely benign (2). Last evaluated 2026-06-11.

Conditions:
Inborn genetic diseases. Identifiers: MedGen C0950123, MeSH D030342.
Tumor predisposition syndrome 2 (TPDS2). Also called: MBD4-ASSOCIATED NEOPLASIA SYNDROME; MBD4-Related Tumor Predisposition Syndrome; MBD4-associated neoplasia syndrome (MANS). Identifiers: Orphanet 661526, MedGen C5774186, MONDO:0859267, OMIM 619975.

Allele frequency attached by ClinVar (database versions not stated): gnomAD exomes below 0.00001; TOPMed 0.00001; gnomAD 0.00002.

Submissions (3):

Myriad Genetics, Inc.
Classification: Benign for Tumor predisposition syndrome 2. Last evaluated: 2026-06-11. Review status: criteria provided, single submitter. Criteria: Myriad Autosomal Dominant, Autosomal Recessive and X-Linked Classification Criteria (2023). Collection method: clinical testing. Allele origin: unknown.
Comment: This variant is considered benign. This variant is a silent/synonymous amino acid change and it is not expected to impact splicing.

Labcorp Genetics (formerly Invitae), Labcorp
Classification: Likely benign. Last evaluated: 2025-03-31. Review status: criteria provided, single submitter. Criteria: Invitae Variant Classification Sherloc (09022015). Collection method: clinical testing. Allele origin: germline.

Ambry Genetics
Classification: Likely benign for Inborn genetic diseases. Last evaluated: 2024-11-18. Review status: criteria provided, single submitter. Criteria: Ambry Variant Classification Scheme 2023. Collection method: clinical testing. Allele origin: germline.

NM_001276270.2(MBD4):c.1494A>G (p.Lys498=)

Gene: MBD4 (methyl-CpG binding domain 4, DNA glycosylase; minus strand). Cytogenetic location: 3q21.3.
Variant type: single nucleotide variant.
Coding change: c.1494A>G on transcript NM_001276270.2 (MANE Select); coding-DNA position 1494, A replaced by G.
Protein change: p.Lys498=; no amino-acid change (lysine 498 retained).
Molecular consequence: synonymous variant.
Genome position (GRCh38, 1-based): chr3:129,433,147, T>C on the plus strand (A>G on the coding strand, the complement: MBD4 is on the minus strand). VCF-style: chr3-129433147-T-C. GRCh37 (hg19) VCF-style: chr3-129151990-T-C.
Other names: c.1512A>G, p.Lys504= (NM_003925.3, NM_001276271.2, NM_001276272.2); c.558A>G, p.Lys186= (NM_001276273.2).
Identifiers: ClinVar variation 2776926 (VCV002776926.5), dbSNP rs1427550635, ClinGen allele CA435615407.
Genomic context (GRCh38, chr3:129,433,147, plus strand): 5'-TAGGAAAATACCTGAGAACTTGACAATGGTTTTTGCCCGAAGATCGTAGAGACCAAGAGG[T>C]TTAAGAAGTTCTGACACATCTCTCCAGTCTGCGGTTCTTGCTACCTCAGCTGAAGGATAC-3'
Protein context (NP_001263199.1, residues 488-508): ADWRDVSELL[Lys498=]PLGLYDLRAK